The following is an entry in ClinVar:

NM_001005373.4(LRSAM1):c.2102del (p.Gln701fs)

Gene: LRSAM1 (leucine rich repeat and sterile alpha motif containing 1; plus strand). Cytogenetic location: 9q34.11.
Variant type: Deletion.
Coding change: c.2102del on transcript NM_001005373.4 (MANE Select); coding-DNA position 2102, one base deleted (A; older notation c.2102delA).
Protein change: p.Gln701fs; shifts the reading frame from glutamine 701.
Molecular consequence: frameshift variant. On other transcripts: non-coding transcript variant (2).
Genome position (GRCh38, 1-based): chr9:127,502,829, A deleted. VCF-style (leftmost placement, unchanged base first): chr9-127502828-CA-C. GRCh37 (hg19) VCF-style: chr9-130265107-CA-C.
Other names: c.2102delA (NM_138361.5); c.2102del, p.Gln701fs (NM_001005374.4, NM_001384142.1, NM_138361.5); c.2021del, p.Gln674fs (NM_001190723.3); c.2003del, p.Gln668fs (NM_001384143.1); c.1313del, p.Gln438fs (NM_001384144.1); short protein forms Q674fs, Q701fs, Q438fs, Q668fs.
Identifiers: ClinVar variation 540008 (VCV000540008.11), dbSNP rs1554763035, ClinGen allele CA658797277.

ClinVar aggregate classification (germline): Likely pathogenic (1 of 4 stars; one submission).

Conditions:
Charcot-Marie-Tooth disease axonal type 2P. Also called: CHARCOT-MARIE-TOOTH NEUROPATHY, TYPE 2P; CHARCOT-MARIE-TOOTH DISEASE, AXONAL, TYPE 2G; CMT 2G; Charcot-Marie-Tooth Neuropathy Type 2G. Identifiers: Orphanet 300319, Orphanet 99941, MedGen C3280797, MONDO:0013753, OMIM 614436.

Submission:

Labcorp Genetics (formerly Invitae), Labcorp
Classification: Likely pathogenic for Charcot-Marie-Tooth disease axonal type 2P. Last evaluated: 2023-05-19. Review status: criteria provided, single submitter. Criteria: Invitae Variant Classification Sherloc (09022015). Collection method: clinical testing. Allele origin: germline.
Comment: This protein change is located in a region of the LRSAM1 protein where a significant number of LRSAM1 nonsense and frameshift mutations have been reported in autosomal dominant Charcot-Marie-Tooth disease (PMID: 33414056, 31211173, 29341362). In summary, the currently available evidence indicates that the variant is pathogenic, but additional data are needed to prove that conclusively. Therefore, this variant has been classified as Likely Pathogenic. ClinVar contains an entry for this variant (Variation ID: 540008). This variant has not been reported in the literature in individuals affected with LRSAM1-related conditions. This variant is not present in population databases (gnomAD no frequency). This sequence change results in a frameshift in the LRSAM1 gene (p.Gln701Argfs*34). While this is not anticipated to result in nonsense mediated decay, it is expected to disrupt the last 23 amino acid(s) of the LRSAM1 protein and extend the protein by 10 additional amino acid residues.

Literature cited by the submitters: PubMed 33414056; PubMed 31211173; PubMed 29341362.